The following is an entry in ClinVar:

NM_182978.4(GNAL):c.-41T>C

Gene: GNAL (G protein subunit alpha L; plus strand). Cytogenetic location: 18p11.21.
Variant type: single nucleotide variant.
Coding change: c.-41T>C on transcript NM_182978.4 (MANE Select); 41 bases upstream of the start codon, T replaced by C.
Molecular consequence: 5 prime UTR variant.
Genome position (GRCh38, 1-based): chr18:11,689,523, T>C. VCF-style: chr18-11689523-T-C. GRCh37 (hg19) VCF-style: chr18-11689522-T-C.
Identifiers: ClinVar variation 1246973 (VCV001246973.6), dbSNP rs9303742, ClinGen allele CA8893767.

ClinVar aggregate classification (germline): Benign. Review status: criteria provided, multiple submitters, no conflicts (2 of 4 stars). 4 submissions from 4 submitters: Benign (4). Last evaluated 2024-07-31.

Conditions:
Dystonia 25 (DYT25). Also called: DYT-GNAL. Identifiers: Orphanet 329466, MedGen C4304670, MONDO:0014033, OMIM 615073.

Allele frequency attached by ClinVar (database versions not stated): gnomAD exomes 0.23713 and 0.25786; ExAC 0.25000; 1000 Genomes Project 0.31450; TOPMed 0.36695.
gnomAD v4.1: 262,606 of 1,033,504 alleles (25%); highest among the groups gnomAD compares: African/African-American, 70%; 41,303 homozygotes.

Submissions (4):

Unidad de Genómica Garrahan, Hospital de Pediatría Garrahan
Classification: Benign. Last evaluated: 2024-07-31. Review status: criteria provided, single submitter. Criteria: ACMG Guidelines, 2015. Collection method: clinical testing. Allele origin: germline. Affected: no. Observed: 24 variant alleles.
Comment: This variant is classified as Benign based on local population frequency. This variant was detected in 26% of patients studied in a panel designed for Epileptic and Developmental Encephalopathy, Progressive Myoclonus Epilepsy and Abnormal Movements and Neurodegeneration with brain iron accumulation. Number of patients: 24. Only high quality variants are reported.

Genome-Nilou Lab
Classification: Benign for Dystonia 25. Last evaluated: 2021-08-10. Review status: criteria provided, single submitter. Criteria: ACMG Guidelines, 2015. Collection method: clinical testing. Allele origin: germline. Affected: no.

GeneDx
Classification: Benign. Last evaluated: 2018-07-05. Review status: criteria provided, single submitter. Criteria: GeneDx Variant Classification Process June 2021. Collection method: clinical testing. Allele origin: germline. Affected: yes.

Breakthrough Genomics
Classification: Benign. Review status: criteria provided, single submitter. Criteria: ACMG Guidelines, 2015. Collection method: not provided. Allele origin: germline. Inheritance: Autosomal dominant inheritance. Affected: yes.